The following is an entry in ClinVar:

ClinVar aggregate classification (germline): Uncertain significance (1 of 4 stars; one submission).

Submission:

Dasa
Classification: Uncertain significance. Last evaluated: 2025-11-10. Review status: criteria provided, single submitter. Criteria: DASA Assertion Criteria. Collection method: clinical testing. Allele origin: germline.
Comment: NM_030974.4(SHARPIN):c.96del (p.Ala33Profs*14) is a frameshift variant in SHARPIN predicted to alter the reading frame and introduce a premature termination codon and is predicted to result in an absent or altered protein product. This variant is absent from population databases. The currently available literature and clinical evidence are not sufficient to establish a definitive association between this variant and the reported condition. Therefore, this variant is classified as a variant of uncertain significance.

NM_030974.4(SHARPIN):c.96del (p.Ala33fs)

Genes: SHARPIN (SHANK associated RH domain interactor; minus strand), LOC130001367 (ATAC-STARR-seq lymphoblastoid silent region 19657; plus strand). Cytogenetic location: 8q24.3.
Variant type: Deletion.
Coding change: c.96del on transcript NM_030974.4 (MANE Select); coding-DNA position 96, one base deleted (C; older notation c.96delC).
Protein change: p.Ala33fs; shifts the reading frame from alanine 33.
Molecular consequence: frameshift variant. On other transcripts: non-coding transcript variant (1).
Genome position (GRCh38, 1-based): chr8:144,103,658, G deleted on the plus strand (C on the coding strand, the reverse complement: SHARPIN is on the minus strand). VCF-style (leftmost placement, unchanged base first): chr8-144103657-CG-C. GRCh37 (hg19) VCF-style: chr8-145158560-CG-C.
Other names: short protein forms A33fs.
Identifiers: ClinVar variation 4886257 (VCV004886257.2).